The following is an entry in ClinVar:

ClinVar aggregate classification (germline): Uncertain significance. Review status: criteria provided, multiple submitters, no conflicts (2 of 4 stars). 2 submissions from 2 submitters: Uncertain significance (2). Last evaluated 2025-06-07.

Conditions:
Inborn genetic diseases. Identifiers: MedGen C0950123, MeSH D030342.

Allele frequency attached by ClinVar (database versions not stated): ExAC 0.00002; gnomAD 0.00003 and 0.00005; gnomAD exomes 0.00002 and 0.00003; TOPMed 0.00003.
gnomAD v4.1: 77 of 1,612,150 alleles (0.0048%); highest among the groups gnomAD compares: African/African-American, 0.049%; 4 homozygotes.

Submissions (2):

Ambry Genetics
Classification: Uncertain significance for Inborn genetic diseases. Last evaluated: 2025-06-07. Review status: criteria provided, single submitter. Criteria: Ambry Variant Classification Scheme 2023. Collection method: clinical testing. Allele origin: germline.

Labcorp Genetics (formerly Invitae), Labcorp
Classification: Uncertain significance. Last evaluated: 2024-12-16. Review status: criteria provided, single submitter. Criteria: Invitae Variant Classification Sherloc (09022015). Collection method: clinical testing. Allele origin: germline.
Comment: This sequence change replaces leucine, which is neutral and non-polar, with methionine, which is neutral and non-polar, at codon 1025 of the SKIV2L protein (p.Leu1025Met). This variant is present in population databases (rs112151489, gnomAD 0.009%). This variant has not been reported in the literature in individuals affected with SKIV2L-related conditions. ClinVar contains an entry for this variant (Variation ID: 1407183). An algorithm developed to predict the effect of missense changes on protein structure and function (PolyPhen-2) suggests that this variant¬†is likely to be tolerated. In summary, the available evidence is currently insufficient to determine the role of this variant in disease. Therefore, it has been classified as a Variant of Uncertain Significance.

NM_006929.5(SKIC2):c.3073C>A (p.Leu1025Met)

Gene: SKIC2 (SKI2 subunit of superkiller complex; plus strand). Cytogenetic location: 6p21.33.
Variant type: single nucleotide variant.
Coding change: c.3073C>A on transcript NM_006929.5 (MANE Select); coding-DNA position 3073, C replaced by A.
Protein change: p.Leu1025Met; replaces leucine 1025 with methionine.
Molecular consequence: missense variant.
Genome position (GRCh38, 1-based): chr6:31,968,689, C>A. VCF-style: chr6-31968689-C-A. GRCh37 (hg19) VCF-style: chr6-31936466-C-A.
Other names: c.3073C>A (NM_006929.4); short protein forms L1025M.
Identifiers: ClinVar variation 1407183 (VCV001407183.7), dbSNP rs112151489, ClinGen allele CA3729969.